The following is an entry in ClinVar:

NM_152703.5(SAMD9L):c.2114A>G (p.Tyr705Cys)

Gene: SAMD9L (sterile alpha motif domain containing 9 like; minus strand). Cytogenetic location: 7q21.2.
Variant type: single nucleotide variant.
Coding change: c.2114A>G on transcript NM_152703.5 (MANE Select); coding-DNA position 2114, A replaced by G.
Protein change: p.Tyr705Cys; replaces tyrosine 705 with cysteine.
Molecular consequence: missense variant.
Genome position (GRCh38, 1-based): chr7:93,133,858, T>C on the plus strand (A>G on the coding strand, the complement: SAMD9L is on the minus strand). VCF-style: chr7-93133858-T-C. GRCh37 (hg19) VCF-style: chr7-92763171-T-C.
Other names: c.2114A>G, p.Tyr705Cys (NM_001303496.3, NM_001303497.3, NM_001303498.3 and 5 more transcripts); c.2114A>G (NM_152703.3); short protein forms Y705C.
Identifiers: ClinVar variation 813694 (VCV000813694.13), dbSNP rs144236612, ClinGen allele CA4343635.
Genomic context (GRCh38, chr7:93,133,858, plus strand): 5'-CAGCAGTGTATTAAATCTTTAAGCTTTTCATAACTGTCCCTTTTAACAAAATCTGAAGAA[T>C]AGTTTTCAGAAGAAAAATAGAAGTTCCACCAGGATACTTTGCCACCTCGATAAAAGTGTT-3'
Protein context (NP_689916.2, residues 695-715): WWNFYFSSEN[Tyr705Cys]SSDFVKRDSY

ClinVar aggregate classification (germline): Conflicting classifications of pathogenicity. Review status: criteria provided, conflicting classifications (1 of 4 stars). 5 submissions from 5 submitters: Uncertain significance (1); Likely benign (3). 1 of the submissions does not count toward it. Last evaluated 2025-12-16.

Conditions:
Microcephaly. Also called: Microcephaly (disease). Identifiers: MedGen C4551563, MONDO:0001149, HP:0000252.
Spinocerebellar ataxia 49 (SCA49). Identifiers: Orphanet 631106, MedGen C5676950, MONDO:0030805, OMIM 619806.
Monosomy 7 myelodysplasia and leukemia syndrome 1. Also called: CHROMOSOME 7q DELETION; Familial Mosaic Monosomy 7 Syndrome; Monosomy 7 of bone marrow. Identifiers: MedGen C1854978, MONDO:0009646, OMIM 252270.
Ataxia-pancytopenia syndrome (ATXPC). Also called: SAMD9L Ataxia-Pancytopenia Syndrome; SAMD9L-Related Syndrome. Identifiers: Orphanet 2585, MedGen C1327919, MONDO:0008038, OMIM 159550.

Allele frequency attached by ClinVar (database versions not stated): gnomAD 0.00009 and 0.00015; gnomAD exomes 0.00020 and 0.00014; 1000 Genomes Project 30x 0.00031; 1000 Genomes Project 0.00040; ExAC 0.00011; TOPMed 0.00012.
gnomAD v4.1: 322 of 1,613,538 alleles (0.02%); highest among the groups gnomAD compares: East Asian, 0.53%; 1 homozygote.

Submissions (5):

Labcorp Genetics (formerly Invitae), Labcorp
Classification: Likely benign. Last evaluated: 2025-12-16. Review status: criteria provided, single submitter. Criteria: Invitae Variant Classification Sherloc (09022015). Collection method: clinical testing. Allele origin: germline.

GeneDx
Classification: Uncertain significance. Last evaluated: 2025-05-02. Review status: criteria provided, single submitter. Criteria: GeneDx Variant Classification Process June 2021. Collection method: clinical testing. Allele origin: germline.
Comment: In silico analysis supports that this missense variant has a deleterious effect on protein structure/function; Identified with a second SAMD9L variant in an individual with myelodysplastic syndrome (PMID: 30322869); This variant is associated with the following publications: (PMID: 34426522, 36880537, 30322869)

Blueprint Genetics
Classification: Likely benign. Last evaluated: 2024-02-29. Review status: criteria provided, single submitter. Criteria: ACMG Guidelines, 2015. Collection method: clinical testing. Allele origin: germline.

Fulgent Genetics
Classification: Likely benign for Ataxia-pancytopenia syndrome; Monosomy 7 myelodysplasia and leukemia syndrome 1; Spinocerebellar ataxia 49. Last evaluated: 2022-04-04. Review status: criteria provided, single submitter. Criteria: ACMG Guidelines, 2015. Collection method: clinical testing. Allele origin: unknown.

Department of Pediatrics, Samsung Medical Center, Samsung Medical Center
Classification: Uncertain significance for Microcephaly. Review status: no assertion criteria provided. Criteria: ACMG Guidelines, 2015. Collection method: research. Allele origin: de novo. Affected: yes. Not counted in ClinVar's aggregate classification.